The following is an entry in ClinVar:

ClinVar aggregate classification (germline): Uncertain significance. Review status: criteria provided, multiple submitters, no conflicts (2 of 4 stars). 3 submissions from 3 submitters: Uncertain significance (3). Last evaluated 2025-04-09.

Conditions:
Duchenne muscular dystrophy (DMD). Also called: Duchenne Muscular Dystrophy (DMD); MUSCULAR DYSTROPHY, PSEUDOHYPERTROPHIC PROGRESSIVE, DUCHENNE TYPE. Identifiers: Orphanet 98896, MedGen C0013264, MONDO:0010679, OMIM 310200.

Submissions (3):

Revvity Omics, Revvity
Classification: Uncertain significance. Last evaluated: 2025-04-09. Review status: criteria provided, single submitter. Criteria: ACMG Guidelines, 2015. Collection method: clinical testing. Allele origin: germline.

Labcorp Genetics (formerly Invitae), Labcorp
Classification: Uncertain significance for Duchenne muscular dystrophy. Last evaluated: 2022-08-17. Review status: criteria provided, single submitter. Criteria: Invitae Variant Classification Sherloc (09022015). Collection method: clinical testing. Allele origin: germline.
Comment: This sequence change replaces leucine, which is neutral and non-polar, with phenylalanine, which is neutral and non-polar, at codon 2903 of the DMD protein (p.Leu2903Phe). This variant is not present in population databases (gnomAD no frequency). This variant has not been reported in the literature in individuals affected with DMD-related conditions. ClinVar contains an entry for this variant (Variation ID: 803817). Algorithms developed to predict the effect of missense changes on protein structure and function are either unavailable or do not agree on the potential impact of this missense change (SIFT: "Tolerated"; PolyPhen-2: "Possibly Damaging"; Align-GVGD: "Class C0"). In summary, the available evidence is currently insufficient to determine the role of this variant in disease. Therefore, it has been classified as a Variant of Uncertain Significance.

Mendelics
Classification: Uncertain significance for Duchenne muscular dystrophy. Last evaluated: 2019-05-28. Review status: criteria provided, single submitter. Criteria: Mendelics Assertion Criteria 2017. Collection method: clinical testing. Allele origin: unknown.

NM_004006.3(DMD):c.8707C>T (p.Leu2903Phe)

Gene: DMD (dystrophin; minus strand). Cytogenetic location: Xp21.2.
Variant type: single nucleotide variant.
Coding change: c.8707C>T on transcript NM_004006.3 (MANE Select); coding-DNA position 8707, C replaced by T.
Protein change: p.Leu2903Phe; replaces leucine 2903 with phenylalanine.
Molecular consequence: missense variant.
Genome position (GRCh38, 1-based): chrX:31,478,336, G>A on the plus strand (C>T on the coding strand, the complement: DMD is on the minus strand). VCF-style: chrX-31478336-G-A. GRCh37 (hg19) VCF-style: chrX-31496453-G-A.
Other names: c.8683C>T, p.Leu2895Phe (NM_000109.4); c.8695C>T, p.Leu2899Phe (NM_004009.3); c.8338C>T, p.Leu2780Phe (NM_004010.3); c.4684C>T, p.Leu1562Phe (NM_004011.4); c.4675C>T, p.Leu1559Phe (NM_004012.4); c.1327C>T, p.Leu443Phe (NM_004013.3, NM_004020.4, NM_004021.3 and 2 more transcripts); c.520C>T, p.Leu174Phe (NM_004014.3); c.8707C>T (NM_004006.2); short protein forms L1559F, L2780F, L2895F, L2903F, L174F, L2899F, L1562F, L443F.
Identifiers: ClinVar variation 803817 (VCV000803817.7), dbSNP rs1040153805, ClinGen allele CA328434464.